The following is an entry in ClinVar:

ClinVar aggregate classification (germline): Uncertain significance (1 of 4 stars; one submission).

gnomAD v4.1: 7 of 1,612,966 alleles (0.00043%); highest among the groups gnomAD compares: Non-Finnish European, 0.00059%; no homozygotes.

Submission:

Labcorp Genetics (formerly Invitae), Labcorp
Classification: Uncertain significance. Last evaluated: 2025-01-01. Review status: criteria provided, single submitter. Criteria: Invitae Variant Classification Sherloc (09022015). Collection method: clinical testing. Allele origin: germline.
Comment: This sequence change replaces leucine, which is neutral and non-polar, with proline, which is neutral and non-polar, at codon 179 of the SGMS2 protein (p.Leu179Pro). This variant is present in population databases (rs773501530, gnomAD 0.0009%). This variant has not been reported in the literature in individuals affected with SGMS2-related conditions. Invitae Evidence Modeling of protein sequence and biophysical properties (such as structural, functional, and spatial information, amino acid conservation, physicochemical variation, residue mobility, and thermodynamic stability) indicates that this missense variant is expected to disrupt SGMS2 protein function with a positive predictive value of 80%. In summary, the available evidence is currently insufficient to determine the role of this variant in disease. Therefore, it has been classified as a Variant of Uncertain Significance.

NM_001375905.1(SGMS2):c.536T>C (p.Leu179Pro)

Genes: CYP2U1-AS1 (CYP2U1 and SGMS2 antisense RNA 1; minus strand), SGMS2 (sphingomyelin synthase 2; plus strand). Cytogenetic location: 4q25.
Variant type: single nucleotide variant.
Coding change: c.536T>C on transcript NM_001375905.1 (MANE Select); coding-DNA position 536, T replaced by C.
Protein change: p.Leu179Pro; replaces leucine 179 with proline.
Molecular consequence: missense variant.
Genome position (GRCh38, 1-based): chr4:107,899,655, T>C. VCF-style: chr4-107899655-T-C. GRCh37 (hg19) VCF-style: chr4-108820811-T-C.
Other names: c.536T>C, p.Leu179Pro (NM_001136257.2, NM_001136258.2, NM_001375906.1 and 4 more transcripts); c.17T>C, p.Leu6Pro (NM_001375911.1); short protein forms L179P, L6P.
Identifiers: ClinVar variation 3677299 (VCV003677299.2).